The following is an entry in ClinVar:

ClinVar aggregate classification (germline): Uncertain significance (1 of 4 stars; one submission).

gnomAD v4.1: 5 of 1,613,036 alleles (0.00031%); no homozygotes.

Submission:

Labcorp Genetics (formerly Invitae), Labcorp
Classification: Uncertain significance. Last evaluated: 2024-09-18. Review status: criteria provided, single submitter. Criteria: Invitae Variant Classification Sherloc (09022015). Collection method: clinical testing. Allele origin: germline.
Comment: This sequence change falls in intron 11 of the EMC1 gene. It does not directly change the encoded amino acid sequence of the EMC1 protein. It affects a nucleotide within the consensus splice site. This variant is present in population databases (no rsID available, gnomAD 0.007%). This variant has not been reported in the literature in individuals affected with EMC1-related conditions. Variants that disrupt the consensus splice site are a relatively common cause of aberrant splicing (PMID: 17576681, 9536098). Algorithms developed to predict the effect of sequence changes on RNA splicing suggest that this variant is not likely to affect RNA splicing. In summary, the available evidence is currently insufficient to determine the role of this variant in disease. Therefore, it has been classified as a Variant of Uncertain Significance.

Literature cited by the submitters: PubMed 17576681; PubMed 9536098.

NM_015047.3(EMC1):c.1212+5G>A

Genes: EMC1 (ER membrane protein complex subunit 1; minus strand), EMC1-AS1 (EMC1 antisense RNA 1; plus strand). Cytogenetic location: 1p36.13.
Variant type: single nucleotide variant.
Coding change: c.1212+5G>A on transcript NM_015047.3 (MANE Select); 5 bases into the intron after coding-DNA position 1212, G replaced by A.
Molecular consequence: intron variant.
Genome position (GRCh38, 1-based): chr1:19,238,012, C>T on the plus strand (G>A on the coding strand, the complement: EMC1 is on the minus strand). VCF-style: chr1-19238012-C-T. GRCh37 (hg19) VCF-style: chr1-19564506-C-T.
Other names: c.1146+5G>A (NM_001271429.2); c.1209+5G>A (NM_001271427.2, NM_001375821.1); c.1212+5G>A (NM_001271428.2, NM_001375820.1).
Identifiers: ClinVar variation 3693414 (VCV003693414.2).